The following is an entry in ClinVar:

NM_001040108.2(MLH3):c.3638A>T (p.Glu1213Val)

Gene: MLH3 (mutL homolog 3; minus strand). Cytogenetic location: 14q24.3.
Variant type: single nucleotide variant.
Coding change: c.3638A>T on transcript NM_001040108.2 (MANE Select); coding-DNA position 3638, A replaced by T.
Protein change: p.Glu1213Val; replaces glutamic acid 1213 with valine.
Molecular consequence: missense variant.
Genome position (GRCh38, 1-based): chr14:75,038,345, T>A on the plus strand (A>T on the coding strand, the complement: MLH3 is on the minus strand). VCF-style: chr14-75038345-T-A. GRCh37 (hg19) VCF-style: chr14-75505048-T-A.
Other names: c.3638A>T, p.Glu1213Val (NM_014381.3); short protein forms E1213V.
Identifiers: ClinVar variation 1733461 (VCV001733461.2), dbSNP rs2503178420, ClinGen allele CA390426771.

ClinVar aggregate classification (germline): Uncertain significance (1 of 4 stars; one submission).

Submission:

Ambry Genetics
Classification: Uncertain significance. Last evaluated: 2021-07-20. Review status: criteria provided, single submitter. Criteria: Ambry Variant Classification Scheme 2023. Collection method: clinical testing. Allele origin: germline.
Comment: The p.E1213V variant (also known as c.3638A>T), located in coding exon 5 of the MLH3 gene, results from an A to T substitution at nucleotide position 3638. The glutamic acid at codon 1213 is replaced by valine, an amino acid with dissimilar properties. This amino acid position is conserved. In addition, this alteration is predicted to be tolerated by in silico analysis. Since supporting evidence is limited at this time, the clinical significance of this alteration remains unclear.